The following is an entry in ClinVar:

NM_001082486.2(ACD):c.5C>T (p.Ala2Val)

Gene: ACD (ACD shelterin complex subunit and telomerase recruitment factor; minus strand). Cytogenetic location: 16q22.1.
Variant type: single nucleotide variant.
Coding change: c.5C>T on transcript NM_001082486.2 (MANE Select); coding-DNA position 5, C replaced by T.
Protein change: p.Ala2Val; replaces alanine 2 with valine.
Molecular consequence: missense variant.
Genome position (GRCh38, 1-based): chr16:67,660,216, G>A on the plus strand (C>T on the coding strand, the complement: ACD is on the minus strand). VCF-style: chr16-67660216-G-A. GRCh37 (hg19) VCF-style: chr16-67694119-G-A.
Other names: c.5C>T, p.Ala2Val (NM_022914.3); c.263C>T (NM_001082486.1); short protein forms A2V.
Identifiers: ClinVar variation 1338094 (VCV001338094.7), dbSNP rs1349871606, ClinGen allele CA396359194.

ClinVar aggregate classification (germline): Uncertain significance. Review status: criteria provided, multiple submitters, no conflicts (2 of 4 stars). 2 submissions from 2 submitters: Uncertain significance (2). Last evaluated 2024-09-18.

Conditions:
Inborn genetic diseases. Identifiers: MedGen C0950123, MeSH D030342.

Allele frequency attached by ClinVar (database versions not stated): TOPMed below 0.00001.
gnomAD v4.1: 3 of 1,612,666 alleles (0.00019%); highest among the groups gnomAD compares: Non-Finnish European, 0.00017%; no homozygotes.

Submissions (2):

Ambry Genetics
Classification: Uncertain significance for Inborn genetic diseases. Last evaluated: 2024-09-18. Review status: criteria provided, single submitter. Criteria: Ambry Variant Classification Scheme 2023. Collection method: clinical testing. Allele origin: germline.
Comment: The p.A88V variant (also known as c.263C>T), located in coding exon 1 of the ACD gene, results from a C to T substitution at nucleotide position 263. The alanine at codon 88 is replaced by valine, an amino acid with similar properties. This amino acid position is conserved. In addition, this alteration is predicted to be tolerated by in silico analysis. Since supporting evidence is limited at this time, the clinical significance of this alteration remains unclear.

Genetic Services Laboratory, University of Chicago
Classification: Uncertain significance. Last evaluated: 2021-10-01. Review status: criteria provided, single submitter. Criteria: ACMG Guidelines, 2015. Collection method: clinical testing. Allele origin: germline. Affected: no.
Comment: DNA sequence analysis of the ACD gene demonstrated a sequence change, c.5C>T, in exon 1 that results in an amino acid change, p.Ala2Val. This sequence change does not appear to have been previously described in individuals with ACD-related disorders and has also not been described in the population databases such as ExAC and gnomAD (dbSNP rs1349871606). The p.Ala2Val change affects a moderately conserved amino acid residue located in a domain of the ACD protein that is not known to be functional. In-silico pathogenicity prediction tools (SIFT, PolyPhen2, Align GVGD, REVEL) provide contradictory results for the p.Ala2Val substitution. Due to insufficient evidence and the lack of functional studies, the clinical significance of the p.Ala2Val change remains unknown at this time.